The following is an entry in ClinVar:

NM_005060.4(RORC):c.1120C>T (p.Arg374Cys)

Gene: RORC (RAR related orphan receptor C; minus strand). Cytogenetic location: 1q21.3.
Variant type: single nucleotide variant.
Coding change: c.1120C>T on transcript NM_005060.4 (MANE Select); coding-DNA position 1120, C replaced by T.
Protein change: p.Arg374Cys; replaces arginine 374 with cysteine.
Molecular consequence: missense variant.
Genome position (GRCh38, 1-based): chr1:151,813,293, G>A on the plus strand (C>T on the coding strand, the complement: RORC is on the minus strand). VCF-style: chr1-151813293-G-A. GRCh37 (hg19) VCF-style: chr1-151785769-G-A.
Other names: c.1057C>T, p.Arg353Cys (NM_001001523.2); short protein forms R353C, R374C.
Identifiers: ClinVar variation 2167375 (VCV002167375.1), dbSNP rs750446790, ClinGen allele CA1095750.
Genomic context (GRCh38, chr1:151,813,293, plus strand): 5'-CCTCACCCAAGGCTCGGAACAGCTCCATGCCACCGTATTTGCCTTCAAAAAAGACCGTGC[G>A]GTTGTCAGCATTGTAGGCCCGGCACATCCTAACCAGCACCACTTCCATTGCTCCTGGGCA-3'
Protein context (NP_005051.2, residues 364-384): RMCRAYNADN[Arg374Cys]TVFFEGKYGG

ClinVar aggregate classification (germline): Uncertain significance (1 of 4 stars; one submission).

Conditions:
Autosomal recessive mendelian susceptibility to mycobacterial diseases due to complete RORgamma receptor deficiency. Also called: Immunodeficiency 42. Identifiers: Orphanet 477857, MedGen C5567647, MONDO:0014710, OMIM 616622.

Allele frequency attached by ClinVar (database versions not stated): gnomAD 0.00001; TOPMed 0.00001; ExAC 0.00002; gnomAD exomes 0.00002.

Submission:

Labcorp Genetics (formerly Invitae), Labcorp
Classification: Uncertain significance for Autosomal recessive mendelian susceptibility to mycobacterial diseases due to complete RORgamma receptor deficiency. Last evaluated: 2022-05-30. Review status: criteria provided, single submitter. Criteria: Invitae Variant Classification Sherloc (09022015). Collection method: clinical testing. Allele origin: germline.
Comment: This sequence change replaces arginine, which is basic and polar, with cysteine, which is neutral and slightly polar, at codon 374 of the RORC protein (p.Arg374Cys). This variant is present in population databases (rs750446790, gnomAD 0.008%). This variant has not been reported in the literature in individuals affected with RORC-related conditions. Algorithms developed to predict the effect of missense changes on protein structure and function (SIFT, PolyPhen-2, Align-GVGD) all suggest that this variant is likely to be tolerated. In summary, the available evidence is currently insufficient to determine the role of this variant in disease. Therefore, it has been classified as a Variant of Uncertain Significance.